The following is an entry in ClinVar:

ClinVar aggregate classification (germline): Likely benign (1 of 4 stars; one submission).

Allele frequency attached by ClinVar (database versions not stated): TOPMed 0.00003.
gnomAD v4.1: 2 of 580,944 alleles (0.00034%); highest among the groups gnomAD compares: Admixed American, 0.006%; no homozygotes.

Submission:

GeneDx
Classification: Likely benign. Last evaluated: 2016-03-02. Review status: criteria provided, single submitter. Criteria: GeneDx Variant Classification (06012015). Collection method: clinical testing. Allele origin: germline. Affected: yes.
Comment: This variant is considered likely benign or benign based on one or more of the following criteria: it is a conservative change, it occurs at a poorly conserved position in the protein, it is predicted to be benign by multiple in silico algorithms, and/or has population frequency not consistent with disease.

NM_001042432.2(CLN3):c.-91C>G

Gene: CLN3 (CLN3 lysosomal/endosomal transmembrane protein, battenin; minus strand). Cytogenetic location: 16p12.1.
Variant type: single nucleotide variant.
Coding change: c.-91C>G on transcript NM_001042432.2 (MANE Select); 91 bases upstream of the start codon, C replaced by G.
Molecular consequence: 5 prime UTR variant.
Genome position (GRCh38, 1-based): chr16:28,492,034, G>C on the plus strand (C>G on the coding strand, the complement: CLN3 is on the minus strand). VCF-style: chr16-28492034-G-C. GRCh37 (hg19) VCF-style: chr16-28503355-G-C.
Other names: c.-275C>G (NM_000086.2); c.-91C>G (NM_001286104.2); c.-416C>G (NM_001286105.2); c.-358C>G (NM_001286109.2, NM_001286110.2).
Identifiers: ClinVar variation 384266 (VCV000384266.1), dbSNP rs946396606, ClinGen allele CA16608168.